The following is an entry in ClinVar:

ClinVar aggregate classification (germline): Benign/Likely benign. Review status: criteria provided, multiple submitters, no conflicts (2 of 4 stars). 2 submissions from 2 submitters: Benign (1); Likely benign (1). Last evaluated 2026-07-01.

Conditions:
Sessile serrated polyposis cancer syndrome (SSPCS). Identifiers: Orphanet 157798, MedGen C4310714, MONDO:0014919, OMIM 617108.

Submissions (2):

Myriad Genetics, Inc.
Classification: Benign for Sessile serrated polyposis cancer syndrome. Last evaluated: 2026-07-01. Review status: criteria provided, single submitter. Criteria: Myriad Autosomal Dominant, Autosomal Recessive and X-Linked Classification Criteria (2023). Collection method: clinical testing. Allele origin: unknown.
Comment: This variant is considered benign. This variant is a silent/synonymous amino acid change and it is not expected to impact splicing.

Ambry Genetics
Classification: Likely benign. Last evaluated: 2026-03-22. Review status: criteria provided, single submitter. Criteria: Ambry Variant Classification Scheme 2023. Collection method: clinical testing. Allele origin: germline.

NM_017763.6(RNF43):c.870C>T (p.Cys290=)

Gene: RNF43 (ring finger protein 43; minus strand). Cytogenetic location: 17q22.
Variant type: single nucleotide variant.
Coding change: c.870C>T on transcript NM_017763.6 (MANE Select); coding-DNA position 870, C replaced by T.
Protein change: p.Cys290=; no amino-acid change (cysteine 290 retained).
Molecular consequence: synonymous variant.
Genome position (GRCh38, 1-based): chr17:58,360,231, G>A on the plus strand (C>T on the coding strand, the complement: RNF43 is on the minus strand). VCF-style: chr17-58360231-G-A. GRCh37 (hg19) VCF-style: chr17-56437592-G-A.
Other names: c.870C>T, p.Cys290= (NM_001305544.3, NM_001438820.1, NM_001438821.1 and 1 more transcripts); c.489C>T, p.Cys163= (NM_001305545.2, NM_001437987.1).
Identifiers: ClinVar variation 4863380 (VCV004863380.2).
Genomic context (GRCh38, chr17:58,360,231, plus strand): 5'-GGGGCAAGTCCGATGCTGATGTAACCAGGGGTCCACACAGTTACGATGGAACTCATGGAG[G>A]CAGGAAATGACCCGTAGCTCCTGGAGAAAAAGAGGGGGTCCAAACCAAAGGCTTCTGTAG-3'
Protein context (NP_060233.3, residues 280-300): SEGQELRVIS[Cys290=]LHEFHRNCVD